The following is an entry in ClinVar:

ClinVar aggregate classification (germline): Uncertain significance (1 of 4 stars; one submission).

Conditions:
Facioscapulohumeral muscular dystrophy 2 (FSHD2). Also called: FACIOSCAPULOHUMERAL MUSCULAR DYSTROPHY 2, DIGENIC; FSHD2, DIGENIC; MUSCULAR DYSTROPHY, FACIOSCAPULOHUMERAL, TYPE 1B. Identifiers: Orphanet 269, MedGen C1834671, MONDO:0008031, OMIM 158901.

Allele frequency attached by ClinVar (database versions not stated): TOPMed 0.00001; gnomAD 0.00002.
gnomAD v4.1: 26 of 1,611,738 alleles (0.0016%); highest among the groups gnomAD compares: South Asian, 0.0055%; no homozygotes.

Submission:

Labcorp Genetics (formerly Invitae), Labcorp
Classification: Uncertain significance for Facioscapulohumeral muscular dystrophy 2. Last evaluated: 2022-10-13. Review status: criteria provided, single submitter. Criteria: Invitae Variant Classification Sherloc (09022015). Collection method: clinical testing. Allele origin: germline.
Comment: In summary, the available evidence is currently insufficient to determine the role of this variant in disease. Therefore, it has been classified as a Variant of Uncertain Significance. Algorithms developed to predict the effect of sequence changes on RNA splicing suggest that this variant may create or strengthen a splice site. Advanced modeling of protein sequence and biophysical properties (such as structural, functional, and spatial information, amino acid conservation, physicochemical variation, residue mobility, and thermodynamic stability) performed at Invitae indicates that this missense variant is not expected to disrupt SMCHD1 protein function. ClinVar contains an entry for this variant (Variation ID: 1437125). This variant has not been reported in the literature in individuals affected with SMCHD1-related conditions. This variant is present in population databases (no rsID available, gnomAD 0.01%). This sequence change replaces isoleucine, which is neutral and non-polar, with valine, which is neutral and non-polar, at codon 1196 of the SMCHD1 protein (p.Ile1196Val).

NM_015295.3(SMCHD1):c.3586A>G (p.Ile1196Val)

Gene: SMCHD1 (structural maintenance of chromosomes flexible hinge domain containing 1; plus strand). Cytogenetic location: 18p11.32.
Variant type: single nucleotide variant.
Coding change: c.3586A>G on transcript NM_015295.3 (MANE Select); coding-DNA position 3586, A replaced by G.
Protein change: p.Ile1196Val; replaces isoleucine 1196 with valine.
Molecular consequence: missense variant.
Genome position (GRCh38, 1-based): chr18:2,740,774, A>G. VCF-style: chr18-2740774-A-G. GRCh37 (hg19) VCF-style: chr18-2740772-A-G.
Other names: short protein forms I1196V.
Identifiers: ClinVar variation 1437125 (VCV001437125.8), dbSNP rs1443828515, ClinGen allele CA401688721.
Genomic context (GRCh38, chr18:2,740,774, plus strand): 5'-ACAGATCAGTACGGAAATCAGATTCAAGCATTTTCACCAAGTTCTTTATCTTCTTTGTCA[A>G]TTGCTGGGGTTGGACTTGATAGCTCAAATTTGAAAACAACCTTTCAGGTATGGCTACTTT-3'
Protein context (NP_056110.2, residues 1186-1206): FSPSSLSSLS[Ile1196Val]AGVGLDSSNL